The following is an entry in ClinVar:

ClinVar aggregate classification (germline): Uncertain significance. Review status: criteria provided, multiple submitters, no conflicts (2 of 4 stars). 3 submissions from 3 submitters: Uncertain significance (3). Last evaluated 2025-11-19.

Conditions:
Inborn genetic diseases. Identifiers: MedGen C0950123, MeSH D030342.
Immunodeficiency 14 (IMD14A). Also called: p110-DELTA-ACTIVATING MUTATION CAUSING SENESCENT T CELLS, LYMPHADENOPATHY, AND IMMUNODEFICIENCY; IMMUNODEFICIENCY 14A WITH LYMPHOPROLIFERATION, AUTOSOMAL DOMINANT; ACTIVATED PI3K-DELTA SYNDROME 1; Activated PI3K Delta Syndrome Type 1 (APDS1). Identifiers: Orphanet 397596, Orphanet 693661, MedGen C5907821, MONDO:0014222, OMIM 615513.

Allele frequency attached by ClinVar (database versions not stated): gnomAD exomes 0.00002 and 0.00001; TOPMed 0.00013; gnomAD 0.00017 and 0.00018.
gnomAD v4.1: 36 of 1,613,632 alleles (0.0022%); highest among the groups gnomAD compares: African/African-American, 0.04%; no homozygotes.

Submissions (3):

Labcorp Genetics (formerly Invitae), Labcorp
Classification: Uncertain significance for Activated PI3K-delta syndrome. Last evaluated: 2025-11-19. Review status: criteria provided, single submitter. Criteria: Invitae Variant Classification Sherloc (09022015). Collection method: clinical testing. Allele origin: germline.
Comment: This sequence change replaces tyrosine, which is neutral and polar, with cysteine, which is neutral and slightly polar, at codon 440 of the PIK3CD protein (p.Tyr440Cys). This variant is present in population databases (no rsID available, gnomAD 0.05%). This variant has not been reported in the literature in individuals affected with PIK3CD-related conditions. ClinVar contains an entry for this variant (Variation ID: 582244). Invitae Evidence Modeling of protein sequence and biophysical properties (such as structural, functional, and spatial information, amino acid conservation, physicochemical variation, residue mobility, and thermodynamic stability) indicates that this missense variant is not expected to disrupt PIK3CD protein function with a negative predictive value of 80%. In summary, the available evidence is currently insufficient to determine the role of this variant in disease. Therefore, it has been classified as a Variant of Uncertain Significance.

Ambry Genetics
Classification: Uncertain significance for Inborn genetic diseases. Last evaluated: 2025-03-18. Review status: criteria provided, single submitter. Criteria: Ambry Variant Classification Scheme 2023. Collection method: clinical testing. Allele origin: germline.

GeneDx
Classification: Uncertain significance. Last evaluated: 2025-01-24. Review status: criteria provided, single submitter. Criteria: GeneDx Variant Classification Process June 2021. Collection method: clinical testing. Allele origin: germline. Affected: yes.
Comment: In silico analysis supports that this missense variant has a deleterious effect on protein structure/function; Has not been previously published as pathogenic or benign to our knowledge

NM_005026.5(PIK3CD):c.1319A>G (p.Tyr440Cys)

Genes: PIK3CD (phosphatidylinositol-4,5-bisphosphate 3-kinase catalytic subunit delta; plus strand), LOC126805612 (MED14-independent group 3 enhancer GRCh37_chr1:9778914-9780113; plus strand). Cytogenetic location: 1p36.22.
Variant type: single nucleotide variant.
Coding change: c.1319A>G on transcript NM_005026.5 (MANE Select); coding-DNA position 1319, A replaced by G.
Protein change: p.Tyr440Cys; replaces tyrosine 440 with cysteine.
Molecular consequence: missense variant.
Genome position (GRCh38, 1-based): chr1:9,719,997, A>G. VCF-style: chr1-9719997-A-G. GRCh37 (hg19) VCF-style: chr1-9780055-A-G.
Other names: c.1319A>G (LRG_191t1); c.1319A>G, p.Tyr440Cys (NM_001350234.2); c.1232A>G, p.Tyr411Cys (NM_001350235.1); short protein forms Y440C, Y411C.
Identifiers: ClinVar variation 582244 (VCV000582244.11), dbSNP rs1035624064, ClinGen allele CA17779344.